The following is an entry in ClinVar:

NM_032977.4(CASP10):c.844C>A (p.His282Asn)

Gene: CASP10 (caspase 10; plus strand). Cytogenetic location: 2q33.1.
Variant type: single nucleotide variant.
Coding change: c.844C>A on transcript NM_032977.4 (MANE Select); coding-DNA position 844, C replaced by A.
Protein change: p.His282Asn; replaces histidine 282 with asparagine.
Molecular consequence: missense variant. On other transcripts: intron variant (1).
Genome position (GRCh38, 1-based): chr2:201,208,105, C>A. VCF-style: chr2-201208105-C-A. GRCh37 (hg19) VCF-style: chr2-202072828-C-A.
Other names: c.715C>A, p.His239Asn (NM_001206542.2, NM_001230.5); c.844C>A, p.His282Asn (NM_032974.5); c.752C>A, p.Pro251Gln (NM_032976.4); c.722-965C>A (NM_001206524.2); short protein forms H239N, H282N, P251Q.
Identifiers: ClinVar variation 1007405 (VCV001007405.11), dbSNP rs1945269105, ClinGen allele CA350286190.

ClinVar aggregate classification (germline): Uncertain significance (1 of 4 stars; one submission).

Conditions:
Autoimmune lymphoproliferative syndrome type 2A (ALPS2A). Also called: CASP10-Related Autoimmune Lymphoproliferative Syndrome; AUTOIMMUNE LYMPHOPROLIFERATIVE SYNDROME, TYPE IIA; Autoimmune lymphoproliferative syndrome type 2. Identifiers: Orphanet 3261, MedGen C1858968, MONDO:0011383, OMIM 603909.

Allele frequency attached by ClinVar (database versions not stated): gnomAD exomes below 0.00001.
gnomAD v4.1: 2 of 1,613,960 alleles (0.00012%); highest among the groups gnomAD compares: Non-Finnish European, 0.00017%; no homozygotes.

Submission:

Labcorp Genetics (formerly Invitae), Labcorp
Classification: Uncertain significance for Autoimmune lymphoproliferative syndrome type 2A. Last evaluated: 2020-05-24. Review status: criteria provided, single submitter. Criteria: Invitae Variant Classification Sherloc (09022015). Collection method: clinical testing. Allele origin: germline.
Comment: In summary, the available evidence is currently insufficient to determine the role of this variant in disease. Therefore, it has been classified as a Variant of Uncertain Significance. Algorithms developed to predict the effect of missense changes on protein structure and function (SIFT, PolyPhen-2, Align-GVGD) all suggest that this variant is likely to be tolerated, but these predictions have not been confirmed by published functional studies and their clinical significance is uncertain. This variant has not been reported in the literature in individuals with CASP10-related conditions. This variant is not present in population databases (ExAC no frequency). This sequence change replaces histidine with asparagine at codon 282 of the CASP10 protein (p.His282Asn). The histidine residue is moderately conserved and there is a small physicochemical difference between histidine and asparagine.